The following is an entry in ClinVar:

ClinVar aggregate classification (germline): Uncertain significance (1 of 4 stars; one submission).

Conditions:
Hereditary diffuse gastric adenocarcinoma (HDGC). Also called: DIFFUSE GASTRIC AND LOBULAR BREAST CANCER SYNDROME. Identifiers: Orphanet 26106, MedGen C1708349, MONDO:0007648, OMIM 137215.

Submission:

Labcorp Genetics (formerly Invitae), Labcorp
Classification: Uncertain significance for Hereditary diffuse gastric adenocarcinoma. Last evaluated: 2024-07-02. Review status: criteria provided, single submitter. Criteria: Invitae Variant Classification Sherloc (09022015). Collection method: clinical testing. Allele origin: germline.
Comment: This sequence change falls in intron 12 of the CDH1 gene. It does not directly change the encoded amino acid sequence of the CDH1 protein. It affects a nucleotide within the consensus splice site. This variant is not present in population databases (gnomAD no frequency). This variant has not been reported in the literature in individuals affected with CDH1-related conditions. Variants that disrupt the consensus splice site are a relatively common cause of aberrant splicing (PMID: 17576681, 9536098). Algorithms developed to predict the effect of sequence changes on RNA splicing suggest that this variant is not likely to affect RNA splicing. In summary, the available evidence is currently insufficient to determine the role of this variant in disease. Therefore, it has been classified as a Variant of Uncertain Significance.

Literature cited by the submitters: PubMed 17576681; PubMed 9536098.

NM_004360.5(CDH1):c.1937-3C>T

Gene: CDH1 (cadherin 1; plus strand). Cytogenetic location: 16q22.1.
Variant type: single nucleotide variant.
Coding change: c.1937-3C>T on transcript NM_004360.5 (MANE Select); 3 bases into the intron before coding-DNA position 1937, C replaced by T.
Molecular consequence: intron variant.
Genome position (GRCh38, 1-based): chr16:68,823,396, C>T. VCF-style: chr16-68823396-C-T. GRCh37 (hg19) VCF-style: chr16-68857299-C-T.
Other names: c.389-3C>T (NM_001317185.2); c.-29-3C>T (NM_001317186.2); c.1754-3C>T (NM_001317184.2).
Identifiers: ClinVar variation 2840331 (VCV002840331.3), dbSNP rs2152139223, ClinGen allele CA496393006.
Genomic context (GRCh38, chr16:68,823,396, plus strand): 5'-TCTGGAATGAGCTTTTTATTTTCCTCCCCTGGTCTCATCATTTCTTTTTATTGCTTTCTC[C>T]AGCCCAAGAATCTATCATTTTGAAGCCAAAGATGGCCTTAGAGGTGGGTGACTACAAAAT-3'